The following is an entry in ClinVar:

ClinVar aggregate classification (germline): Likely benign (1 of 4 stars; one submission).

Conditions:
Sulfite oxidase deficiency due to molybdenum cofactor deficiency type A. Also called: Molybdenum Cofactor Deficiency A; Molybdenum cofactor deficiency, complementation group A. Identifiers: Orphanet 308386, Orphanet 833, MedGen C1854988, MONDO:0009643, OMIM 252150.

Allele frequency attached by ClinVar (database versions not stated): ExAC 0.00371; 1000 Genomes Project 0.00220; gnomAD exomes 0.00654; 1000 Genomes Project 30x 0.00219; TOPMed 0.00676.
gnomAD v4.1: 3,672 of 454,710 alleles (0.81%); highest among the groups gnomAD compares: Non-Finnish European, 1.2%; 17 homozygotes.

Submissions (4):

Illumina Laboratory Services, Illumina
Classification: Likely benign for Sulfite oxidase deficiency due to molybdenum cofactor deficiency type A. Last evaluated: 2018-01-12. Review status: criteria provided, single submitter. Criteria: ICSL Variant Classification Criteria 13 December 2019. Collection method: clinical testing. Allele origin: germline.
Comment: This variant was observed in the ICSL laboratory as part of a predisposition screen in an ostensibly healthy population. It had not been previously curated by ICSL or reported in the Human Gene Mutation Database (HGMD: prior to June 1st, 2018), and was therefore a candidate for classification through an automated scoring system. Utilizing variant allele frequency, disease prevalence and penetrance estimates, and inheritance mode, an automated score was calculated to assess if this variant is too frequent to cause the disease. Based on the score and internal cut-off values, a variant classified as likely benign is not then subjected to further curation. The score for this variant resulted in a classification of likely benign for this disease.

Dr. Peter K. Rogan Lab, Western University
No classification provided (evidence only). Condition: Sarcoma. Review status: no classification provided. Collection method: in vitro. Allele origin: not applicable. Functional consequence: retained intron. Not counted in ClinVar's aggregate classification.

Dr. Peter K. Rogan Lab, Western University
No classification provided (evidence only). Condition: Lymphoma. Review status: no classification provided. Collection method: in vitro. Allele origin: not applicable. Functional consequence: retained intron. Not counted in ClinVar's aggregate classification.

Dr. Peter K. Rogan Lab, Western University
No classification provided (evidence only). Condition: Ovarian cancer. Review status: no classification provided. Collection method: in vitro. Allele origin: not applicable. Functional consequence: retained intron. Not counted in ClinVar's aggregate classification.

NM_001201427.2(DAAM2):c.*2409G>T

Genes: DAAM2 (dishevelled associated activator of morphogenesis 2; plus strand), MOCS1 (molybdenum cofactor synthesis 1; minus strand). Cytogenetic location: 6p21.2.
Variant type: single nucleotide variant.
Coding change: c.*2409G>T on transcript NM_001201427.2 (MANE Select); 2409 bases downstream of the stop codon, G replaced by T.
Molecular consequence: 3 prime UTR variant. On other transcripts: non-coding transcript variant (1).
Genome position (GRCh38, 1-based): chr6:39,904,446, G>T. VCF-style: chr6-39904446-G-T. GRCh37 (hg19) VCF-style: chr6-39872222-G-T.
Other names: NC_000006.11:g.39872222G>T; c.*2409G>T (NM_015345.4); c.*2679C>A (NM_001075098.4, NM_001358533.2, NM_001358534.2 and 1 more transcripts); c.*1911C>A (NM_001358529.2, NM_001358530.2, NM_001358531.2).
Identifiers: ClinVar variation 903739 (VCV000903739.5), dbSNP rs188855912, ClinGen allele CA3795609.
Genomic context (GRCh38, chr6:39,904,446, plus strand): 5'-AGGGGCTGGTGCCCAGTCGGGGTGGCTGAGCTGGTCCTTAATAGGTTGTTTCTTGGTCTT[G>T]CTTTCTTCATGCCCTCCCCACTGCTCCTGCCACCTTTAGATAAGTTTCTCTAGCTAATTT-3'